The following is an entry in ClinVar:

ClinVar aggregate classification (germline): Uncertain significance. Review status: criteria provided, multiple submitters, no conflicts (2 of 4 stars). 3 submissions from 3 submitters: Uncertain significance (3). Last evaluated 2025-02-27.

Conditions:
Inborn genetic diseases. Identifiers: MedGen C0950123, MeSH D030342.
Bethlem myopathy 1A. Also called: MYOPATHY, BENIGN CONGENITAL, WITH CONTRACTURES; Bethlem myopathy 1; Bethlem Muscular Dystrophy. Identifiers: Orphanet 610, MedGen CN029274, MONDO:0024530, OMIM 158810.

Submissions (3):

Labcorp Genetics (formerly Invitae), Labcorp
Classification: Uncertain significance for Bethlem myopathy 1A. Last evaluated: 2025-02-27. Review status: criteria provided, single submitter. Criteria: Invitae Variant Classification Sherloc (09022015). Collection method: clinical testing. Allele origin: germline.
Comment: This sequence change replaces alanine, which is neutral and non-polar, with threonine, which is neutral and polar, at codon 904 of the COL6A2 protein (p.Ala904Thr). This variant is not present in population databases (gnomAD no frequency). This missense change has been observed in individual(s) with limb-girdle muscular dystrophy 1A (PMID: 30564623). ClinVar contains an entry for this variant (Variation ID: 2826581). Invitae Evidence Modeling of protein sequence and biophysical properties (such as structural, functional, and spatial information, amino acid conservation, physicochemical variation, residue mobility, and thermodynamic stability) indicates that this missense variant is not expected to disrupt COL6A2 protein function with a negative predictive value of 80%. In summary, the available evidence is currently insufficient to determine the role of this variant in disease. Therefore, it has been classified as a Variant of Uncertain Significance.

Ambry Genetics
Classification: Uncertain significance for Inborn genetic diseases. Last evaluated: 2024-01-22. Review status: criteria provided, single submitter. Criteria: Ambry Variant Classification Scheme 2023. Collection method: clinical testing. Allele origin: germline.

Blueprint Genetics
Classification: Uncertain significance. Last evaluated: 2022-07-15. Review status: criteria provided, single submitter. Criteria: ACMG Guidelines, 2015. Collection method: clinical testing. Allele origin: germline.

Literature cited by the submitters: PubMed 30564623 (cited by Labcorp Genetics (formerly Invitae), Labcorp).

NM_001849.4(COL6A2):c.2710G>A (p.Ala904Thr)

Gene: COL6A2 (collagen type VI alpha 2 chain; plus strand). Cytogenetic location: 21q22.3.
Variant type: single nucleotide variant.
Coding change: c.2710G>A on transcript NM_001849.4 (MANE Select); coding-DNA position 2710, G replaced by A.
Protein change: p.Ala904Thr; replaces alanine 904 with threonine.
Molecular consequence: missense variant.
Genome position (GRCh38, 1-based): chr21:46,132,202, G>A. VCF-style: chr21-46132202-G-A. GRCh37 (hg19) VCF-style: chr21-47552116-G-A.
Other names: short protein forms A904T.
Identifiers: ClinVar variation 2826581 (VCV002826581.5), dbSNP rs2517029730, ClinGen allele CA410549168.